The following is an entry in ClinVar:

ClinVar aggregate classification (germline): Likely pathogenic. Review status: criteria provided, multiple submitters, no conflicts (2 of 4 stars). 2 submissions from 2 submitters: Likely pathogenic (2). Last evaluated 2026-01-15.

Conditions:
Primary ciliary dyskinesia 3. Identifiers: Orphanet 244, MedGen C1837618, MONDO:0012085, OMIM 608644.
Primary ciliary dyskinesia. Also called: Ciliary dyskinesia. Identifiers: Orphanet 244, MedGen C0008780, MONDO:0016575, HP:0012265.

Submissions (2):

Natera, Inc.
Classification: Likely pathogenic for Primary ciliary dyskinesia. Last evaluated: 2026-01-15. Review status: criteria provided, single submitter. Criteria: Natera Variant Classification Schema (03/2026). Collection method: clinical testing. Allele origin: germline.
Comment: The c.5272-1G>T variant in DNAH5 is a canonical splice acceptor site variant predicted to affect pre-mRNA splicing, which may result in an abnormal transcript and altered protein product. This variant is expected to result in nonsense mediated decay, truncation, or a dysfunctional protein product. This variant is rare in the general population with a frequency below the threshold expected for the associated phenotype(s). Given the available evidence, this variant is classified as Likely Pathogenic.

Kariminejad - Najmabadi Pathology & Genetics Center
Classification: Likely pathogenic for Primary ciliary dyskinesia 3. Review status: criteria provided, single submitter. Criteria: ACMG Guidelines, 2015. Collection method: clinical testing. Allele origin: germline. Affected: no.

NM_001369.3(DNAH5):c.5272-1G>T

Gene: DNAH5 (dynein axonemal heavy chain 5; minus strand). Cytogenetic location: 5p15.2.
Variant type: single nucleotide variant.
Coding change: c.5272-1G>T on transcript NM_001369.3 (MANE Select); the canonical splice acceptor site of the intron before coding-DNA position 5272, G replaced by T.
Molecular consequence: splice acceptor variant.
Genome position (GRCh38, 1-based): chr5:13,841,905, C>A on the plus strand (G>T on the coding strand, the complement: DNAH5 is on the minus strand). VCF-style: chr5-13841905-C-A. GRCh37 (hg19) VCF-style: chr5-13842014-C-A.
Identifiers: ClinVar variation 4814898 (VCV004814898.2).
Genomic context (GRCh38, chr5:13,841,905, plus strand): 5'-TTTATCCAATTCAATCGTCTCACCCTCTTGAGAGGAAATTGACAGAATTCGATCATAGAT[C>A]TATGTTAGAAACCAAAAAAAAAAAAAAAAAAAGCTATAGTCATATAAAAAGTAAAAACTA-3'